The following is an entry in ClinVar:

ClinVar aggregate classification (germline): Pathogenic. Review status: criteria provided, single submitter (1 of 4 stars). 2 submissions from 2 submitters: Pathogenic (1). 1 of the submissions does not count toward it. Last evaluated 2025-12-15.

Conditions:
Pseudohypoaldosteronism type 2A (PHA2A). Also called: GORDON HYPERKALEMIA-HYPERTENSION SYNDROME; HYPERTENSIVE HYPERKALEMIA, FAMILIAL. Identifiers: Orphanet 757, Orphanet 88938, MedGen C1840389, MONDO:0007772, OMIM 145260.

Submissions (2):

Labcorp Genetics (formerly Invitae), Labcorp
Classification: Pathogenic. Last evaluated: 2025-12-15. Review status: criteria provided, single submitter. Criteria: Invitae Variant Classification Sherloc (09022015). Collection method: clinical testing. Allele origin: germline.
Comment: This sequence change replaces glutamine, which is neutral and polar, with arginine, which is basic and polar, at codon 309 of the KLHL3 protein (p.Gln309Arg). This variant is not present in population databases (gnomAD no frequency). This missense change has been observed in individuals with clinical features of autosomal dominant KLHL3-related conditions (PMID: 22266938, 25925082, 28511177). It has also been observed to segregate with disease in related individuals. ClinVar contains an entry for this variant (Variation ID: 100541). Invitae Evidence Modeling of protein sequence and biophysical properties (such as structural, functional, and spatial information, amino acid conservation, physicochemical variation, residue mobility, and thermodynamic stability) indicates that this missense variant is not expected to disrupt KLHL3 protein function with a negative predictive value of 80%. Experimental studies have shown that this missense change affects KLHL3 function (PMID: 23387299, 23665031). For these reasons, this variant has been classified as Pathogenic.

Richard Lifton Laboratory, Yale University School of Medicine
Classification: Pathogenic for Pseudohypoaldosteronism, type 2. Review status: no assertion criteria provided. Collection method: not provided. Allele origin: germline. Not counted in ClinVar's aggregate classification.
Comment: dominant;Kelch propeller domain
ClinVar note: Converted during submission from pathogenic to Pathogenic.

Literature cited by the submitters: PubMed 22266938 (cited by Labcorp Genetics (formerly Invitae), Labcorp); PubMed 25925082 (cited by Labcorp Genetics (formerly Invitae), Labcorp); PubMed 28511177 (cited by Labcorp Genetics (formerly Invitae), Labcorp); PubMed 23387299 (cited by Labcorp Genetics (formerly Invitae), Labcorp); PubMed 23665031 (cited by Labcorp Genetics (formerly Invitae), Labcorp).

NM_017415.3(KLHL3):c.926A>G (p.Gln309Arg)

Gene: KLHL3 (kelch like family member 3; minus strand). Cytogenetic location: 5q31.2.
Variant type: single nucleotide variant.
Coding change: c.926A>G on transcript NM_017415.3 (MANE Select); coding-DNA position 926, A replaced by G.
Protein change: p.Gln309Arg; replaces glutamine 309 with arginine.
Molecular consequence: missense variant.
Genome position (GRCh38, 1-based): chr5:137,639,955, T>C on the plus strand (A>G on the coding strand, the complement: KLHL3 is on the minus strand). VCF-style: chr5-137639955-T-C. GRCh37 (hg19) VCF-style: chr5-136975644-T-C.
Other names: c.830A>G, p.Gln277Arg (NM_001257194.1); c.680A>G, p.Gln227Arg (NM_001257195.2); short protein forms Q309R, Q277R, Q227R.
Identifiers: ClinVar variation 100541 (VCV000100541.5), dbSNP rs199469627, ClinGen allele CA269982.
Genomic context (GRCh38, chr5:137,639,955, plus strand): 5'-TGATCCCACCGGTCCTCCTCGAAATCATAGCACTCCACACTGCGGATTGCCTTGGGTGCC[T>C]GGCCGCCAACCACAATCATGACCTCCGGAGAGACAAGTGGACGTTAGCGGGGTCACCCCA-3'
Protein context (NP_059111.2, residues 299-319): LPKVMIVVGG[Gln309Arg]APKAIRSVEC